The following is an entry in ClinVar:

ClinVar aggregate classification (germline): Uncertain significance. Review status: criteria provided, multiple submitters, no conflicts (2 of 4 stars). 2 submissions from 2 submitters: Uncertain significance (2). Last evaluated 2026-01-25.

Conditions:
Familial thoracic aortic aneurysm and aortic dissection (TAAD). Also called: Thoracic aortic aneurysms and dissections. Identifiers: Orphanet 91387, MedGen C4707243, MONDO:0019625.
Ehlers-Danlos syndrome, classic type, 1 (EDSCL1). Also called: EHLERS-DANLOS SYNDROME, GRAVIS TYPE; EHLERS-DANLOS SYNDROME, SEVERE CLASSIC TYPE; Ehlers-Danlos syndrome, type 1; Ehlers-Danlos Syndrome, Classic Type, COL5A1-Related; EDS I. Identifiers: MedGen C0268335, MONDO:0019567, OMIM 130000.

Allele frequency attached by ClinVar (database versions not stated): gnomAD exomes below 0.00001.
gnomAD v4.1: 3 of 1,613,322 alleles (0.00019%); highest among the groups gnomAD compares: Non-Finnish European, 0.00017%; no homozygotes.

Submissions (2):

Ambry Genetics
Classification: Uncertain significance for Familial thoracic aortic aneurysm and aortic dissection. Last evaluated: 2026-01-25. Review status: criteria provided, single submitter. Criteria: Ambry Variant Classification Scheme 2023. Collection method: clinical testing. Allele origin: germline.

Labcorp Genetics (formerly Invitae), Labcorp
Classification: Uncertain significance for Ehlers-Danlos syndrome, classic type, 1. Last evaluated: 2023-08-30. Review status: criteria provided, single submitter. Criteria: Invitae Variant Classification Sherloc (09022015). Collection method: clinical testing. Allele origin: germline.
Comment: In summary, the available evidence is currently insufficient to determine the role of this variant in disease. Therefore, it has been classified as a Variant of Uncertain Significance. Advanced modeling of protein sequence and biophysical properties (such as structural, functional, and spatial information, amino acid conservation, physicochemical variation, residue mobility, and thermodynamic stability) performed at Invitae indicates that this missense variant is not expected to disrupt COL5A2 protein function. This variant has not been reported in the literature in individuals affected with COL5A2-related conditions. This variant is present in population databases (no rsID available, gnomAD 0.0009%). This sequence change replaces proline, which is neutral and non-polar, with histidine, which is basic and polar, at codon 1214 of the COL5A2 protein (p.Pro1214His).

NM_000393.5(COL5A2):c.3641C>A (p.Pro1214His)

Gene: COL5A2 (collagen type V alpha 2 chain; minus strand). Cytogenetic location: 2q32.2.
Variant type: single nucleotide variant.
Coding change: c.3641C>A on transcript NM_000393.5 (MANE Select); coding-DNA position 3641, C replaced by A.
Protein change: p.Pro1214His; replaces proline 1214 with histidine.
Molecular consequence: missense variant.
Genome position (GRCh38, 1-based): chr2:189,039,556, G>T on the plus strand (C>A on the coding strand, the complement: COL5A2 is on the minus strand). VCF-style: chr2-189039556-G-T. GRCh37 (hg19) VCF-style: chr2-189904282-G-T.
Other names: c.3641C>A (NM_000393.3); short protein forms P1214H.
Identifiers: ClinVar variation 2727840 (VCV002727840.4), dbSNP rs1308734623, ClinGen allele CA349858164.